The following is an entry in ClinVar:

ClinVar aggregate classification (germline): Uncertain significance. Review status: criteria provided, multiple submitters, no conflicts (2 of 4 stars). 2 submissions from 2 submitters: Uncertain significance (2). Last evaluated 2025-06-20.

Allele frequency attached by ClinVar (database versions not stated): gnomAD 0.00002; ExAC 0.00004; TOPMed 0.00004; gnomAD exomes 0.00006; ESP Exome Variant Server 0.00023.
gnomAD v4.1: 119 of 1,610,738 alleles (0.0074%); highest among the groups gnomAD compares: South Asian, 0.0088%; no homozygotes.

Submissions (2):

Women's Health and Genetics/Laboratory Corporation of America, LabCorp
Classification: Uncertain significance. Last evaluated: 2025-06-20. Review status: criteria provided, single submitter. Criteria: LabCorp Variant Classification Summary - May 2015. Collection method: clinical testing. Allele origin: germline.

Labcorp Genetics (formerly Invitae), Labcorp
Classification: Uncertain significance. Last evaluated: 2022-10-05. Review status: criteria provided, single submitter. Criteria: Invitae Variant Classification Sherloc (09022015). Collection method: clinical testing. Allele origin: germline.
Comment: This sequence change falls in intron 3 of the MTHFD1 gene. It does not directly change the encoded amino acid sequence of the MTHFD1 protein. It affects a nucleotide within the consensus splice site. This variant is present in population databases (rs373682324, gnomAD 0.009%). This variant has not been reported in the literature in individuals affected with MTHFD1-related conditions. ClinVar contains an entry for this variant (Variation ID: 1360549). Variants that disrupt the consensus splice site are a relatively common cause of aberrant splicing (PMID: 17576681, 9536098). Algorithms developed to predict the effect of sequence changes on RNA splicing suggest that this variant is not likely to affect RNA splicing. In summary, the available evidence is currently insufficient to determine the role of this variant in disease. Therefore, it has been classified as a Variant of Uncertain Significance.

Literature cited by the submitters: PubMed 17576681 (cited by Labcorp Genetics (formerly Invitae), Labcorp); PubMed 9536098 (cited by Labcorp Genetics (formerly Invitae), Labcorp).

NM_005956.4(MTHFD1):c.186+5C>T

Gene: MTHFD1 (methylenetetrahydrofolate dehydrogenase, cyclohydrolase and formyltetrahydrofolate synthetase 1; plus strand). Cytogenetic location: 14q23.3.
Variant type: single nucleotide variant.
Coding change: c.186+5C>T on transcript NM_005956.4 (MANE Select); 5 bases into the intron after coding-DNA position 186, C replaced by T.
Molecular consequence: intron variant.
Genome position (GRCh38, 1-based): chr14:64,411,154, C>T. VCF-style: chr14-64411154-C-T. GRCh37 (hg19) VCF-style: chr14-64877872-C-T.
Other names: c.186+5C>T (NM_001364837.1).
Identifiers: ClinVar variation 1360549 (VCV001360549.4), dbSNP rs373682324, ClinGen allele CA7225853.